The following is an entry in ClinVar:

NM_000264.5(PTCH1):c.338C>T (p.Ala113Val)

Gene: PTCH1 (patched 1; minus strand). Cytogenetic location: 9q22.32.
Variant type: single nucleotide variant.
Coding change: c.338C>T on transcript NM_000264.5 (MANE Select); coding-DNA position 338, C replaced by T.
Protein change: p.Ala113Val; replaces alanine 113 with valine.
Molecular consequence: missense variant. On other transcripts: 5 prime UTR variant (4), non-coding transcript variant (1).
Genome position (GRCh38, 1-based): chr9:95,506,463, G>A on the plus strand (C>T on the coding strand, the complement: PTCH1 is on the minus strand). VCF-style: chr9-95506463-G-A. GRCh37 (hg19) VCF-style: chr9-98268745-G-A.
Other names: c.140C>T, p.Ala47Val (NM_001083602.3, NM_001354919.2); c.335C>T, p.Ala112Val (NM_001083603.3); c.-116C>T (NM_001083604.3, NM_001083605.3, NM_001083606.3 and 1 more transcripts); c.338C>T, p.Ala113Val (NM_001354918.2); short protein forms A112V, A113V, A47V.
Identifiers: ClinVar variation 3711518 (VCV003711518.2).

ClinVar aggregate classification (germline): Uncertain significance (1 of 4 stars; one submission).

Conditions:
Gorlin syndrome. Also called: Nevoid Basal Cell Carcinoma Syndrome; Basal cell nevus syndrome. Identifiers: Orphanet 377, MedGen C0004779, MONDO:0007187.

Submission:

Labcorp Genetics (formerly Invitae), Labcorp
Classification: Uncertain significance for Gorlin syndrome. Last evaluated: 2024-10-10. Review status: criteria provided, single submitter. Criteria: Invitae Variant Classification Sherloc (09022015). Collection method: clinical testing. Allele origin: germline.
Comment: This sequence change replaces alanine, which is neutral and non-polar, with valine, which is neutral and non-polar, at codon 113 of the PTCH1 protein (p.Ala113Val). This variant is not present in population databases (gnomAD no frequency). This variant has not been reported in the literature in individuals affected with PTCH1-related conditions. Invitae Evidence Modeling of protein sequence and biophysical properties (such as structural, functional, and spatial information, amino acid conservation, physicochemical variation, residue mobility, and thermodynamic stability) has been performed for this missense variant. However, the output from this modeling did not meet the statistical confidence thresholds required to predict the impact of this variant on PTCH1 protein function. In summary, the available evidence is currently insufficient to determine the role of this variant in disease. Therefore, it has been classified as a Variant of Uncertain Significance.